The following is an entry in ClinVar:

ClinVar aggregate classification (germline): Likely benign (1 of 4 stars; one submission).

Submission:

Women's Health and Genetics/Laboratory Corporation of America, LabCorp
Classification: Likely benign. Last evaluated: 2024-01-05. Review status: criteria provided, single submitter. Criteria: LabCorp Variant Classification Summary - May 2015. Collection method: clinical testing. Allele origin: germline.
Comment: Variant summary: PALB2 c.3225T>C alters a non-conserved nucleotide resulting in a synonymous change. Consensus agreement among computation tools predict no significant impact on normal splicing. However, these predictions have yet to be confirmed by functional studies. The variant was absent in 251470 control chromosomes (gnomAD). The available data on variant occurrences in the general population are insufficient to allow any conclusion about variant significance. To our knowledge, no occurrence of c.3225T>C in individuals affected with Breast Cancer and no experimental evidence demonstrating its impact on protein function have been reported. No submitters have cited clinical-significance assessments for this variant to ClinVar. Based on the evidence outlined above, the variant was classified as likely benign.

NM_024675.4(PALB2):c.3225T>C (p.Ser1075=)

Gene: PALB2 (partner and localizer of BRCA2; minus strand). Cytogenetic location: 16p12.2.
Variant type: single nucleotide variant.
Coding change: c.3225T>C on transcript NM_024675.4 (MANE Select); coding-DNA position 3225, T replaced by C.
Protein change: p.Ser1075=; no amino-acid change (serine 1075 retained).
Molecular consequence: synonymous variant. On other transcripts: intron variant (8).
Genome position (GRCh38, 1-based): chr16:23,607,989, A>G on the plus strand (T>C on the coding strand, the complement: PALB2 is on the minus strand). VCF-style: chr16-23607989-A-G. GRCh37 (hg19) VCF-style: chr16-23619310-A-G.
Other names: c.3165T>C, p.Ser1055= (NM_001407296.1); c.3153T>C, p.Ser1051= (NM_001407297.1); c.3063T>C, p.Ser1021= (NM_001407298.1); c.2946T>C, p.Ser982= (NM_001407300.1); c.2340T>C, p.Ser780= (NM_001407304.1, NM_001407305.1, NM_001407306.1); c.2178T>C, p.Ser726= (NM_001407307.1); c.1437T>C, p.Ser479= (NM_001407312.1); c.759T>C, p.Ser253= (NM_001407314.1); and 6 more.
Identifiers: ClinVar variation 3063790 (VCV003063790.1), dbSNP rs202222149, ClinGen allele CA494175855.
Genomic context (GRCh38, chr16:23,607,989, plus strand): 5'-AATCACAATGAGCTGAAACACAGGGCTTCGCAACGACTCACTCTCTTTGGCACAGGGATG[A>G]CTCAGGACAATAAAGAGAAGCCCCTAATTTCGGAGAAAAATAAATATCCCAAATAGACTG-3'
Protein context (NP_078951.2, residues 1065-1085): SEMGLLFIVL[Ser1075=]HPCAKESESL